The following is an entry in ClinVar:

NM_000211.5(ITGB2):c.1903G>A (p.Glu635Lys)

Gene: ITGB2 (integrin subunit beta 2; minus strand). Cytogenetic location: 21q22.3.
Variant type: single nucleotide variant.
Coding change: c.1903G>A on transcript NM_000211.5 (MANE Select); coding-DNA position 1903, G replaced by A.
Protein change: p.Glu635Lys; replaces glutamic acid 635 with lysine.
Molecular consequence: missense variant.
Genome position (GRCh38, 1-based): chr21:44,888,870, C>T on the plus strand (G>A on the coding strand, the complement: ITGB2 is on the minus strand). VCF-style: chr21-44888870-C-T. GRCh37 (hg19) VCF-style: chr21-46308785-C-T.
Other names: c.1903G>A, p.Glu635Lys (NM_001127491.3); c.1696G>A, p.Glu566Lys (NM_001303238.2); c.1903G>A (NM_000211.3); short protein forms E566K, E635K.
Identifiers: ClinVar variation 1052273 (VCV001052273.7), dbSNP rs758504990, ClinGen allele CA10062638.

ClinVar aggregate classification (germline): Uncertain significance. Review status: criteria provided, multiple submitters, no conflicts (2 of 4 stars). 2 submissions from 2 submitters: Uncertain significance (2). Last evaluated 2022-08-09.

Conditions:
Inborn genetic diseases. Identifiers: MedGen C0950123, MeSH D030342.
Leukocyte adhesion deficiency 1 (LAD1). Also called: LEUKOCYTE ADHESION DEFICIENCY, TYPE I; LAD 1; Lymphocyte function-associated antigen 1 immunodeficiency; LFA 1 immunodeficiency. Identifiers: Orphanet 2968, Orphanet 99842, MedGen C0398738, MONDO:0007293, OMIM 116920.

Allele frequency attached by ClinVar (database versions not stated): gnomAD 0.00001 and 0.00003; ExAC 0.00002; gnomAD exomes 0.00003; TOPMed 0.00004.
gnomAD v4.1: 55 of 1,607,616 alleles (0.0034%); highest among the groups gnomAD compares: East Asian, 0.018%; no homozygotes.

Submissions (2):

Labcorp Genetics (formerly Invitae), Labcorp
Classification: Uncertain significance for Leukocyte adhesion deficiency 1. Last evaluated: 2022-08-09. Review status: criteria provided, single submitter. Criteria: Invitae Variant Classification Sherloc (09022015). Collection method: clinical testing. Allele origin: germline.
Comment: This sequence change replaces glutamic acid, which is acidic and polar, with lysine, which is basic and polar, at codon 635 of the ITGB2 protein (p.Glu635Lys). This variant is present in population databases (rs758504990, gnomAD 0.009%). This variant has not been reported in the literature in individuals affected with ITGB2-related conditions. ClinVar contains an entry for this variant (Variation ID: 1052273). Algorithms developed to predict the effect of missense changes on protein structure and function output the following: SIFT: "Tolerated"; PolyPhen-2: "Benign"; Align-GVGD: "Class C0". The lysine amino acid residue is found in multiple mammalian species, which suggests that this missense change does not adversely affect protein function. In summary, the available evidence is currently insufficient to determine the role of this variant in disease. Therefore, it has been classified as a Variant of Uncertain Significance.

Ambry Genetics
Classification: Uncertain significance for Inborn genetic diseases. Last evaluated: 2022-07-20. Review status: criteria provided, single submitter. Criteria: Ambry Variant Classification Scheme 2023. Collection method: clinical testing. Allele origin: germline.